The following is an entry in ClinVar:

ClinVar aggregate classification (germline): Uncertain significance. Review status: criteria provided, multiple submitters, no conflicts (2 of 4 stars). 2 submissions from 2 submitters: Uncertain significance (2). Last evaluated 2024-01-19.

Conditions:
Familial cancer of breast. Also called: BREAST CANCER, FAMILIAL; Hereditary breast cancer; hereditary breast carcinoma. Identifiers: Orphanet 227535, MedGen C0346153, MONDO:0016419, OMIM 114480. Disease mechanism: loss of function.
Hereditary cancer-predisposing syndrome. Also called: Neoplastic Syndromes, Hereditary; Tumor predisposition; Hereditary neoplastic syndrome; Hereditary Cancer Syndrome. Identifiers: Orphanet 140162, MedGen C0027672, MeSH D009386, MONDO:0015356.

Submissions (2):

Ambry Genetics
Classification: Uncertain significance for Hereditary cancer-predisposing syndrome. Last evaluated: 2024-01-19. Review status: criteria provided, single submitter. Criteria: Ambry Variant Classification Scheme 2023. Collection method: clinical testing. Allele origin: germline.
Comment: The p.N291S variant (also known as c.872A>G), located in coding exon 6 of the BRIP1 gene, results from an A to G substitution at nucleotide position 872. The asparagine at codon 291 is replaced by serine, an amino acid with highly similar properties. This amino acid position is conserved. In addition, this alteration is predicted to be tolerated by in silico analysis. Based on the available evidence, the clinical significance of this alteration remains unclear.

Baylor Genetics
Classification: Uncertain significance for Familial cancer of breast. Last evaluated: 2023-12-26. Review status: criteria provided, single submitter. Criteria: ACMG Guidelines, 2015. Collection method: clinical testing. Allele origin: unknown.

NM_032043.3(BRIP1):c.872A>G (p.Asn291Ser)

Gene: BRIP1 (BRCA1 interacting DNA helicase 1; minus strand). Cytogenetic location: 17q23.2.
Variant type: single nucleotide variant.
Coding change: c.872A>G on transcript NM_032043.3 (MANE Select); coding-DNA position 872, A replaced by G.
Protein change: p.Asn291Ser; replaces asparagine 291 with serine.
Molecular consequence: missense variant.
Genome position (GRCh38, 1-based): chr17:61,808,513, T>C on the plus strand (A>G on the coding strand, the complement: BRIP1 is on the minus strand). VCF-style: chr17-61808513-T-C. GRCh37 (hg19) VCF-style: chr17-59885874-T-C.
Other names: short protein forms N291S.
Identifiers: ClinVar variation 3228145 (VCV003228145.2), dbSNP rs2145412618, ClinGen allele CA400484738.